The following is an entry in ClinVar:

ClinVar aggregate classification (germline): Uncertain significance (1 of 4 stars; one submission).

Conditions:
Autosomal recessive distal spinal muscular atrophy 1. Also called: NEURONOPATHY, DISTAL HEREDITARY MOTOR, HARDING TYPE VI; NEUROPATHY, DISTAL HEREDITARY MOTOR, AUTOSOMAL RECESSIVE 1; SEVERE INFANTILE AXONAL NEUROPATHY WITH RESPIRATORY FAILURE; SPINAL MUSCULAR ATROPHY, DIAPHRAGMATIC; HMN VI; NEURONOPATHY, SEVERE INFANTILE AXONAL, WITH RESPIRATORY FAILURE. Identifiers: Orphanet 98920, MedGen C1858517, MONDO:0011436, OMIM 604320.
Charcot-Marie-Tooth disease axonal type 2S. Also called: CHARCOT-MARIE-TOOTH NEUROPATHY, TYPE 2S; CHARCOT-MARIE-TOOTH DISEASE, AXONAL, AUTOSOMAL RECESSIVE, TYPE 2S. Identifiers: Orphanet 443073, MedGen C4015349, MONDO:0014511, OMIM 616155.

Allele frequency attached by ClinVar (database versions not stated): gnomAD exomes below 0.00001.
gnomAD v4.1: 1 of 1,614,250 alleles (0.000062%); highest among the groups gnomAD compares: Non-Finnish European, 0.000085%; no homozygotes.

Submission:

Labcorp Genetics (formerly Invitae), Labcorp
Classification: Uncertain significance for Autosomal recessive distal spinal muscular atrophy 1; Charcot-Marie-Tooth disease axonal type 2S. Last evaluated: 2022-09-01. Review status: criteria provided, single submitter. Criteria: Invitae Variant Classification Sherloc (09022015). Collection method: clinical testing. Allele origin: germline.
Comment: This variant has not been reported in the literature in individuals affected with IGHMBP2-related conditions. This variant is not present in population databases (gnomAD no frequency). This sequence change replaces glutamic acid, which is acidic and polar, with aspartic acid, which is acidic and polar, at codon 226 of the IGHMBP2 protein (p.Glu226Asp). ClinVar contains an entry for this variant (Variation ID: 664590). In summary, the available evidence is currently insufficient to determine the role of this variant in disease. Therefore, it has been classified as a Variant of Uncertain Significance. Algorithms developed to predict the effect of missense changes on protein structure and function are either unavailable or do not agree on the potential impact of this missense change (SIFT: "Tolerated"; PolyPhen-2: "Probably Damaging"; Align-GVGD: "Class C0").

NM_002180.3(IGHMBP2):c.678G>C (p.Glu226Asp)

Gene: IGHMBP2 (immunoglobulin mu DNA binding protein 2; plus strand). Cytogenetic location: 11q13.3.
Variant type: single nucleotide variant.
Coding change: c.678G>C on transcript NM_002180.3 (MANE Select); coding-DNA position 678, G replaced by C.
Protein change: p.Glu226Asp; replaces glutamic acid 226 with aspartic acid.
Molecular consequence: missense variant.
Genome position (GRCh38, 1-based): chr11:68,911,570, G>C. VCF-style: chr11-68911570-G-C. GRCh37 (hg19) VCF-style: chr11-68679038-G-C.
Other names: short protein forms E226D.
Identifiers: ClinVar variation 664590 (VCV000664590.9), dbSNP rs1594422735, ClinGen allele CA381643984.
Genomic context (GRCh38, chr11:68,911,570, plus strand): 5'-GAAAGAACTTGCCATCATCCATGGACCTCCTGGCACTGGGAAAACCACGACTGTGGTTGA[G>C]ATCATTCTTCAAGCTGTGAAACAAGGCTTAAAGGTGGGCAGTGCATGCCACTTCCCTGTC-3'
Protein context (NP_002171.2, residues 216-236): PGTGKTTTVV[Glu226Asp]IILQAVKQGL